The following is an entry in ClinVar:

NM_020223.4(FAM20C):c.1211G>T (p.Arg404Leu)

Gene: FAM20C (FAM20C golgi associated secretory pathway kinase; plus strand). Cytogenetic location: 7p22.3.
Variant type: single nucleotide variant.
Coding change: c.1211G>T on transcript NM_020223.4 (MANE Select); coding-DNA position 1211, G replaced by T.
Protein change: p.Arg404Leu; replaces arginine 404 with leucine.
Molecular consequence: missense variant.
Genome position (GRCh38, 1-based): chr7:255,987, G>T. VCF-style: chr7-255987-G-T. GRCh37 (hg19) VCF-style: chr7-295953-G-T.
Other names: c.1211G>T (NM_020223.2); short protein forms R404L.
Identifiers: ClinVar variation 1441961 (VCV001441961.6), dbSNP rs1319019323, ClinGen allele CA366525348.

ClinVar aggregate classification (germline): Uncertain significance. Review status: criteria provided, multiple submitters, no conflicts (2 of 4 stars). 3 submissions from 3 submitters: Uncertain significance (3). Last evaluated 2025-07-08.

Conditions:
Inborn genetic diseases. Identifiers: MedGen C0950123, MeSH D030342.

Allele frequency attached by ClinVar (database versions not stated): gnomAD exomes 0.00003; TOPMed 0.00005; gnomAD 0.00007.

Submissions (3):

Ambry Genetics
Classification: Uncertain significance for Inborn genetic diseases. Last evaluated: 2025-07-08. Review status: criteria provided, single submitter. Criteria: Ambry Variant Classification Scheme 2023. Collection method: clinical testing. Allele origin: germline.

Blueprint Genetics
Classification: Uncertain significance. Last evaluated: 2024-10-23. Review status: criteria provided, single submitter. Criteria: ACMG Guidelines, 2015. Collection method: clinical testing. Allele origin: germline.

Labcorp Genetics (formerly Invitae), Labcorp
Classification: Uncertain significance. Last evaluated: 2021-12-19. Review status: criteria provided, single submitter. Criteria: Invitae Variant Classification Sherloc (09022015). Collection method: clinical testing. Allele origin: germline.
Comment: This sequence change replaces arginine, which is basic and polar, with leucine, which is neutral and non-polar, at codon 404 of the FAM20C protein (p.Arg404Leu). This variant is present in population databases (no rsID available, gnomAD 0.009%). This variant has not been reported in the literature in individuals affected with FAM20C-related conditions. Algorithms developed to predict the effect of missense changes on protein structure and function (SIFT, PolyPhen-2, Align-GVGD) all suggest that this variant is likely to be disruptive. In summary, the available evidence is currently insufficient to determine the role of this variant in disease. Therefore, it has been classified as a Variant of Uncertain Significance.